The following is an entry in ClinVar:

NM_001267550.2(TTN):c.54068G>A (p.Arg18023Gln)

Genes: TTN (titin; minus strand), TTN-AS1 (TTN antisense RNA 1; plus strand). Cytogenetic location: 2q31.2.
Variant type: single nucleotide variant.
Coding change: c.54068G>A on transcript NM_001267550.2 (MANE Select); coding-DNA position 54068, G replaced by A.
Protein change: p.Arg18023Gln; replaces arginine 18023 with glutamine.
Molecular consequence: missense variant. On other transcripts: non-coding transcript variant (1).
Genome position (GRCh38, 1-based): chr2:178,605,109, C>T on the plus strand (G>A on the coding strand, the complement: TTN is on the minus strand). VCF-style: chr2-178605109-C-T. GRCh37 (hg19) VCF-style: chr2-179469836-C-T.
Other names: c.49145G>A, p.Arg16382Gln (NM_001256850.1); c.46364G>A, p.Arg15455Gln (NM_133378.4); c.26873G>A, p.Arg8958Gln (NM_003319.4); c.27248G>A, p.Arg9083Gln (NM_133432.3); c.27449G>A, p.Arg9150Gln (NM_133437.4); short protein forms R15455Q, R18023Q, R16382Q, R8958Q, R9083Q, R9150Q.
Identifiers: ClinVar variation 165979 (VCV000165979.20), dbSNP rs727503603, ClinGen allele CA178740.
Genomic context (GRCh38, chr2:178,605,109, plus strand): 5'-TAAGTGCCTTTGTCCTCCCGGACCGCTTTGGGAATGCTAAGCTCAGTTTTTGCCTCACTT[C>T]GGGATACCTCTTCCTTGGTTATCTGAAGTGCATCAGTGGGTTTTTCAATTACAGTTTCAT-3'
Protein context (NP_001254479.2, residues 18013-18033): ALQITKEEVS[Arg18023Gln]SEAKTELSIP

ClinVar aggregate classification (germline): Conflicting classifications of pathogenicity. Review status: criteria provided, conflicting classifications (1 of 4 stars). 8 submissions from 8 submitters: Uncertain significance (6); Likely benign (2). Last evaluated 2025-12-12.

Conditions:
Cardiomyopathy (CMYO). Also called: Cardiomyopathies. Identifiers: Orphanet 167848, MedGen C0878544, MONDO:0004994, HP:0001638. Inheritance: Various modes of inheritance.
Dilated cardiomyopathy 1G (CMD1G). Identifiers: Orphanet 154, MedGen C1858763, MONDO:0011400, OMIM 604145.
Autosomal recessive limb-girdle muscular dystrophy type 2J (LGMDR10). Also called: Limb-girdle muscular dystrophy, type 2J; MUSCULAR DYSTROPHY, LIMB-GIRDLE, AUTOSOMAL RECESSIVE 10. Identifiers: Orphanet 140922, MedGen C1837342, MONDO:0012127, OMIM 608807.

Allele frequency attached by ClinVar (database versions not stated): gnomAD 0.00009; ExAC 0.00012; TOPMed 0.00012; gnomAD exomes 0.00017.
gnomAD v4.1: 159 of 1,612,604 alleles (0.0099%); highest among the groups gnomAD compares: South Asian, 0.054%; 1 homozygote.

Submissions (8):

Women's Health and Genetics/Laboratory Corporation of America, LabCorp
Classification: Uncertain significance. Last evaluated: 2025-12-12. Review status: criteria provided, single submitter. Criteria: LabCorp Variant Classification Summary - May 2015. Collection method: clinical testing. Allele origin: germline.
Comment: Variant summary: TTN c.46364G>A (p.Arg15455Gln) results in a conservative amino acid change in the encoded protein sequence. Algorithms developed to predict the effect of missense changes on protein structure and function are either unavailable or do not agree on the potential impact of this missense change. The variant allele was found at a frequency of 0.00017 in 247476 control chromosomes in the gnomAD database, including 1 homozygote. This frequency is not significantly higher than estimated for disease-causing variants in TTN, allowing no conclusion about variant significance. To our knowledge, no occurrence of c.46364G>A in individuals affected with TTN-related conditions and no experimental evidence demonstrating its impact on protein function have been reported. ClinVar contains an entry for this variant (Variation ID: 165979). Based on the evidence outlined above, the variant was classified as uncertain significance.

Athena Diagnostics
Classification: Uncertain significance. Last evaluated: 2021-08-17. Review status: criteria provided, single submitter. Criteria: Athena Diagnostics Criteria. Collection method: clinical testing. Allele origin: unknown.

Revvity Omics, Revvity
Classification: Uncertain significance. Last evaluated: 2019-06-24. Review status: criteria provided, single submitter. Criteria: ACMG Guidelines, 2015. Collection method: clinical testing. Allele origin: germline.

CHEO Genetics Diagnostic Laboratory, Children's Hospital of Eastern Ontario
Classification: Likely benign for Cardiomyopathy. Last evaluated: 2018-03-29. Review status: criteria provided, single submitter. Criteria: ACMG Guidelines, 2015. Collection method: clinical testing. Allele origin: germline.

GeneDx
Classification: Likely benign. Last evaluated: 2018-03-07. Review status: criteria provided, single submitter. Criteria: GeneDx Variant Classification (06012015). Collection method: clinical testing. Allele origin: germline. Affected: yes.
Comment: This variant is considered likely benign or benign based on one or more of the following criteria: it is a conservative change, it occurs at a poorly conserved position in the protein, it is predicted to be benign by multiple in silico algorithms, and/or has population frequency not consistent with disease.

Labcorp Genetics (formerly Invitae), Labcorp
Classification: Uncertain significance for Dilated cardiomyopathy 1G; Autosomal recessive limb-girdle muscular dystrophy type 2J. Last evaluated: 2017-11-15. Review status: criteria provided, single submitter. Criteria: Invitae Variant Classification Sherloc (09022015). Collection method: clinical testing. Allele origin: germline.

Eurofins Ntd Llc (ga)
Classification: Uncertain significance. Last evaluated: 2017-08-22. Review status: criteria provided, single submitter. Criteria: EGL Classification Definitions 2015. Collection method: clinical testing. Allele origin: germline. Observed: 2 variant alleles, 2 heterozygotes.

Laboratory for Molecular Medicine, Mass General Brigham Personalized Medicine
Classification: Uncertain significance. Last evaluated: 2013-11-12. Review status: criteria provided, single submitter. Criteria: LMM Criteria. Collection method: clinical testing. Allele origin: germline. Observed: 1 variant allele.
Comment: The Arg15455Gln variant in TTN has not been previously reported in individuals w ith cardiomyopathy or in large population studies. Computational analyses are li mited or unavailable for this variant. Additional information is needed to fully assess the clinical significance of the Arg15455Gln variant.

Literature cited by the submitters: PubMed 24265153 (cited by Athena Diagnostics).